The following is an entry in ClinVar:

NM_004415.4(DSP):c.5661G>C (p.Lys1887Asn)

Gene: DSP (desmoplakin; plus strand). Cytogenetic location: 6p24.3.
Variant type: single nucleotide variant.
Coding change: c.5661G>C on transcript NM_004415.4 (MANE Select); coding-DNA position 5661, G replaced by C.
Protein change: p.Lys1887Asn; replaces lysine 1887 with asparagine.
Molecular consequence: missense variant.
Genome position (GRCh38, 1-based): chr6:7,582,923, G>C. VCF-style: chr6-7582923-G-C. GRCh37 (hg19) VCF-style: chr6-7583156-G-C.
Other names: c.3864G>C, p.Lys1288Asn (NM_001008844.3); c.4332G>C, p.Lys1444Asn (NM_001319034.2); short protein forms K1288N, K1444N, K1887N.
Identifiers: ClinVar variation 3750263 (VCV003750263.2).

ClinVar aggregate classification (germline): Uncertain significance (1 of 4 stars; one submission).

Conditions:
Arrhythmogenic right ventricular dysplasia 8 (ARVD8). Also called: Arrhythmogenic Right Ventricular Dysplasia/Cardiomyopathy 8; ARRHYTHMOGENIC RIGHT VENTRICULAR DYSPLASIA, FAMILIAL, 8; ARRHYTHMOGENIC RIGHT VENTRICULAR CARDIOMYOPATHY 8. Identifiers: MedGen C1843896, MONDO:0011831, OMIM 607450.
Arrhythmogenic cardiomyopathy with wooly hair and keratoderma. Also called: PALMOPLANTAR KERATODERMA WITH LEFT VENTRICULAR CARDIOMYOPATHY AND WOOLLY HAIR; Carvajal syndrome; Dilated cardiomyopathy with woolly hair and keratoderma; Arrhythmogenic cardiomyopathy with woolly hair and keratoderma. Identifiers: Orphanet 65282, MedGen C1854063, MONDO:0011581, OMIM 605676.

Submission:

Labcorp Genetics (formerly Invitae), Labcorp
Classification: Uncertain significance for Arrhythmogenic cardiomyopathy with wooly hair and keratoderma; Arrhythmogenic right ventricular dysplasia 8. Last evaluated: 2024-11-27. Review status: criteria provided, single submitter. Criteria: Invitae Variant Classification Sherloc (09022015). Collection method: clinical testing. Allele origin: germline.
Comment: This sequence change replaces lysine, which is basic and polar, with asparagine, which is neutral and polar, at codon 1887 of the DSP protein (p.Lys1887Asn). This variant is not present in population databases (gnomAD no frequency). This variant has not been reported in the literature in individuals affected with DSP-related conditions. An algorithm developed to predict the effect of missense changes on protein structure and function (PolyPhen-2) suggests that this variant is likely to be disruptive. In summary, the available evidence is currently insufficient to determine the role of this variant in disease. Therefore, it has been classified as a Variant of Uncertain Significance.